The following is an entry in ClinVar:

ClinVar aggregate classification (germline): Uncertain significance (1 of 4 stars; one submission).

gnomAD v4.1: 1 of 1,612,894 alleles (0.000062%); highest among the groups gnomAD compares: African/African-American, 0.0013%; no homozygotes.

Submission:

GeneDx
Classification: Uncertain significance. Last evaluated: 2024-09-10. Review status: criteria provided, single submitter. Criteria: GeneDx Variant Classification Process June 2021. Collection method: clinical testing. Allele origin: germline. Affected: yes.
Comment: Not observed at significant frequency in large population cohorts (gnomAD); In silico analysis indicates that this missense variant does not alter protein structure/function; Has not been previously published as pathogenic or benign to our knowledge

NM_006852.6(TLK2):c.1330C>T (p.His444Tyr)

Gene: TLK2 (tousled like kinase 2; plus strand). Cytogenetic location: 17q23.2.
Variant type: single nucleotide variant.
Coding change: c.1330C>T on transcript NM_006852.6 (MANE Select); coding-DNA position 1330, C replaced by T.
Protein change: p.His444Tyr; replaces histidine 444 with tyrosine.
Molecular consequence: missense variant.
Genome position (GRCh38, 1-based): chr17:62,580,154, C>T. VCF-style: chr17-62580154-C-T. GRCh37 (hg19) VCF-style: chr17-60657515-C-T.
Other names: c.1396C>T, p.His466Tyr (NM_001284333.3); c.1234C>T, p.His412Tyr (NM_001284363.1, NM_001375272.1); c.883C>T, p.His295Tyr (NM_001330418.3, NM_001375273.1); c.1372C>T, p.His458Tyr (NM_001375269.1); c.1330C>T, p.His444Tyr (NM_001375270.1, NM_001375271.1); c.1045C>T, p.His349Tyr (NM_001411074.1); short protein forms H295Y, H349Y, H412Y, H444Y, H458Y, H466Y.
Identifiers: ClinVar variation 3767514 (VCV003767514.1).